The following is an entry in ClinVar:

NM_001349253.2(SCN11A):c.2777T>G (p.Val926Gly)

Gene: SCN11A (sodium voltage-gated channel alpha subunit 11; minus strand). Cytogenetic location: 3p22.2.
Variant type: single nucleotide variant.
Coding change: c.2777T>G on transcript NM_001349253.2 (MANE Select); coding-DNA position 2777, T replaced by G.
Protein change: p.Val926Gly; replaces valine 926 with glycine.
Molecular consequence: missense variant.
Genome position (GRCh38, 1-based): chr3:38,894,591, A>C on the plus strand (T>G on the coding strand, the complement: SCN11A is on the minus strand). VCF-style: chr3-38894591-A-C. GRCh37 (hg19) VCF-style: chr3-38936082-A-C.
Other names: c.2777T>G, p.Val926Gly (NM_014139.3); short protein forms V926G.
Identifiers: ClinVar variation 4535108 (VCV004535108.6).

ClinVar aggregate classification (germline): Uncertain significance (1 of 4 stars; one submission).

Submission:

CeGaT Center for Human Genetics Tuebingen
Classification: Uncertain significance. Last evaluated: 2025-11-01. Review status: criteria provided, single submitter. Criteria: CeGaT Center For Human Genetics Tuebingen Variant Classification Criteria Version 2. Collection method: clinical testing. Allele origin: germline. Affected: yes. Observed: 1 variant allele.
Comment: SCN11A: PM2, BP4